The following is an entry in ClinVar:

ClinVar aggregate classification (germline): Uncertain significance (1 of 4 stars; one submission).

Submission:

GeneDx
Classification: Uncertain significance. Last evaluated: 2022-05-11. Review status: criteria provided, single submitter. Criteria: GeneDx Variant Classification Process June 2021. Collection method: clinical testing. Allele origin: germline. Affected: yes.
Comment: Not observed at significant frequency in large population cohorts (gnomAD); In silico analysis supports that this missense variant does not alter protein structure/function; Has not been previously published as pathogenic or benign to our knowledge

NM_032578.4(MYPN):c.2323C>T (p.Pro775Ser)

Gene: MYPN (myopalladin; plus strand). Cytogenetic location: 10q21.3.
Variant type: single nucleotide variant.
Coding change: c.2323C>T on transcript NM_032578.4 (MANE Select); coding-DNA position 2323, C replaced by T.
Protein change: p.Pro775Ser; replaces proline 775 with serine.
Molecular consequence: missense variant. On other transcripts: non-coding transcript variant (2).
Genome position (GRCh38, 1-based): chr10:68,174,415, C>T. VCF-style: chr10-68174415-C-T. GRCh37 (hg19) VCF-style: chr10-69934172-C-T.
Other names: c.2323C>T, p.Pro775Ser (NM_001256267.2); c.1441C>T, p.Pro481Ser (NM_001256268.2); short protein forms P481S, P775S.
Identifiers: ClinVar variation 1723597 (VCV001723597.2), dbSNP rs2495795151, ClinGen allele CA376846381.